The following is an entry in ClinVar:

NM_001142966.3(GREB1L):c.3911C>T (p.Pro1304Leu)

Gene: GREB1L (GREB1 like retinoic acid receptor coactivator; plus strand). Cytogenetic location: 18q11.2.
Variant type: single nucleotide variant.
Coding change: c.3911C>T on transcript NM_001142966.3 (MANE Select); coding-DNA position 3911, C replaced by T.
Protein change: p.Pro1304Leu; replaces proline 1304 with leucine.
Molecular consequence: missense variant.
Genome position (GRCh38, 1-based): chr18:21,500,248, C>T. VCF-style: chr18-21500248-C-T. GRCh37 (hg19) VCF-style: chr18-19080209-C-T.
Other names: c.4040C>T, p.Pro1347Leu (NM_001410867.1); c.3584C>T, p.Pro1195Leu (NM_001410868.1); c.3911C>T (NM_001142966.1); short protein forms P1195L, P1347L, P1304L.
Identifiers: ClinVar variation 2049188 (VCV002049188.30), dbSNP rs9957726, ClinGen allele CA8906615.

ClinVar aggregate classification (germline): Benign/Likely benign. Review status: criteria provided, multiple submitters, no conflicts (2 of 4 stars). 4 submissions from 4 submitters: Benign (1); Likely benign (2). 1 of the submissions does not count toward it. Last evaluated 2025-08-20.

Conditions:
GREB1L-related disorder. Also called: GREB1L-related condition.

Allele frequency attached by ClinVar (database versions not stated): TOPMed 0.00300; gnomAD exomes 0.00027; ExAC 0.00099; gnomAD 0.00252; 1000 Genomes Project 0.00280; 1000 Genomes Project 30x 0.00281.
gnomAD v4.1: 768 of 1,506,200 alleles (0.051%); highest among the groups gnomAD compares: African/African-American, 0.93%; 5 homozygotes.

Submissions (4):

Labcorp Genetics (formerly Invitae), Labcorp
Classification: Benign. Last evaluated: 2025-08-20. Review status: criteria provided, single submitter. Criteria: Invitae Variant Classification Sherloc (09022015). Collection method: clinical testing. Allele origin: germline.

Blueprint Genetics
Classification: Likely benign. Last evaluated: 2024-06-24. Review status: criteria provided, single submitter. Criteria: ACMG Guidelines, 2015. Collection method: clinical testing. Allele origin: germline.

CeGaT Center for Human Genetics Tuebingen
Classification: Likely benign. Last evaluated: 2023-06-01. Review status: criteria provided, single submitter. Criteria: CeGaT Center For Human Genetics Tuebingen Variant Classification Criteria Version 2. Collection method: clinical testing. Allele origin: germline. Affected: yes. Observed: 1 variant allele.
Comment: GREB1L: PP2, BP4, BS2

PreventionGenetics, part of Exact Sciences
Classification: Benign for GREB1L-related condition. Last evaluated: 2019-03-27. Review status: no assertion criteria provided. Collection method: clinical testing. Allele origin: germline. Not counted in ClinVar's aggregate classification.
Comment: This variant is classified as benign based on ACMG/AMP sequence variant interpretation guidelines (Richards et al. 2015 PMID: 25741868, with internal and published modifications).